The following is an entry in ClinVar:

ClinVar aggregate classification (germline): Conflicting classifications of pathogenicity. Review status: criteria provided, conflicting classifications (1 of 4 stars). 3 submissions from 3 submitters: Likely pathogenic (1); Uncertain significance (2). Last evaluated 2026-07-06.

Conditions:
Hereditary cancer-predisposing syndrome. Also called: Neoplastic Syndromes, Hereditary; Hereditary neoplastic syndrome; Hereditary Cancer Syndrome; Tumor predisposition. Identifiers: Orphanet 140162, MedGen C0027672, MeSH D009386, MONDO:0015356.
Rhabdoid tumor predisposition syndrome 2 (RTPS2). Identifiers: Orphanet 231108, Orphanet 69077, MedGen C2750074, MONDO:0013224, OMIM 613325.

Submissions (3):

Ambry Genetics
Classification: Uncertain significance for Hereditary cancer-predisposing syndrome. Last evaluated: 2026-07-06. Review status: criteria provided, single submitter. Criteria: Ambry Variant Classification Scheme 2023. Collection method: clinical testing. Allele origin: germline.
Comment: The p.I1193V variant (also known as c.3577A>G), located in coding exon 25 of the SMARCA4 gene, results from an A to G substitution at nucleotide position 3577. The isoleucine at codon 1193 is replaced by valine, an amino acid with highly similar properties. This amino acid position is conserved. In addition, this alteration is predicted to be deleterious by in silico analysis. Based on the available evidence, the clinical significance of this variant remains unclear.

GeneDx
Classification: Likely pathogenic. Last evaluated: 2024-09-20. Review status: criteria provided, single submitter. Criteria: GeneDx Variant Classification Process June 2021. Collection method: clinical testing. Allele origin: germline. Affected: yes.
Comment: Not observed at significant frequency in large population cohorts (gnomAD); In silico analysis indicates that this missense variant does not alter protein structure/function; Has not been previously published as pathogenic or benign to our knowledge; This variant is associated with the following publications: (PMID: 24658002)

Labcorp Genetics (formerly Invitae), Labcorp
Classification: Uncertain significance for Rhabdoid tumor predisposition syndrome 2. Last evaluated: 2023-06-09. Review status: criteria provided, single submitter. Criteria: Invitae Variant Classification Sherloc (09022015). Collection method: clinical testing. Allele origin: germline.
Comment: ClinVar contains an entry for this variant (Variation ID: 452308). In summary, the available evidence is currently insufficient to determine the role of this variant in disease. Therefore, it has been classified as a Variant of Uncertain Significance. Advanced modeling of protein sequence and biophysical properties (such as structural, functional, and spatial information, amino acid conservation, physicochemical variation, residue mobility, and thermodynamic stability) performed at Invitae indicates that this missense variant is expected to disrupt SMARCA4 protein function. This variant has not been reported in the literature in individuals affected with SMARCA4-related conditions. This variant is not present in population databases (gnomAD no frequency). This sequence change replaces isoleucine, which is neutral and non-polar, with valine, which is neutral and non-polar, at codon 1193 of the SMARCA4 protein (p.Ile1193Val).

NM_003072.5(SMARCA4):c.3577A>G (p.Ile1193Val)

Gene: SMARCA4 (SWI/SNF related BAF chromatin remodeling complex subunit ATPase 4; plus strand). Cytogenetic location: 19p13.2.
Variant type: single nucleotide variant.
Coding change: c.3577A>G on transcript NM_003072.5 (MANE Select); coding-DNA position 3577, A replaced by G.
Protein change: p.Ile1193Val; replaces isoleucine 1193 with valine.
Molecular consequence: missense variant. On other transcripts: non-coding transcript variant (1).
Genome position (GRCh38, 1-based): chr19:11,033,320, A>G. VCF-style: chr19-11033320-A-G. GRCh37 (hg19) VCF-style: chr19-11143996-A-G.
Other names: c.3577A>G, p.Ile1193Val (NM_001128844.3, NM_001128845.2, NM_001128846.2 and 5 more transcripts); short protein forms I1193V.
Identifiers: ClinVar variation 452308 (VCV000452308.9), dbSNP rs1555784468, ClinGen allele CA404065226.